The following is an entry in ClinVar:

ClinVar aggregate classification (germline): Uncertain significance (1 of 4 stars; one submission).

Submission:

Labcorp Genetics (formerly Invitae), Labcorp
Classification: Uncertain significance. Last evaluated: 2025-08-20. Review status: criteria provided, single submitter. Criteria: Invitae Variant Classification Sherloc (09022015). Collection method: clinical testing. Allele origin: germline.
Comment: This sequence change replaces glycine, which is neutral and non-polar, with arginine, which is basic and polar, at codon 322 of the CFP protein (p.Gly322Arg). This variant is not present in population databases (gnomAD no frequency). This variant has not been reported in the literature in individuals affected with CFP-related conditions. ClinVar contains an entry for this variant (Variation ID: 2011449). Invitae Evidence Modeling of protein sequence and biophysical properties (such as structural, functional, and spatial information, amino acid conservation, physicochemical variation, residue mobility, and thermodynamic stability) indicates that this missense variant is not expected to disrupt CFP protein function with a negative predictive value of 80%. In summary, the available evidence is currently insufficient to determine the role of this variant in disease. Therefore, it has been classified as a Variant of Uncertain Significance.

NM_001145252.3(CFP):c.964G>A (p.Gly322Arg)

Gene: CFP (complement factor properdin; minus strand). Cytogenetic location: Xp11.23.
Variant type: single nucleotide variant.
Coding change: c.964G>A on transcript NM_001145252.3 (MANE Select); coding-DNA position 964, G replaced by A.
Protein change: p.Gly322Arg; replaces glycine 322 with arginine.
Molecular consequence: missense variant.
Genome position (GRCh38, 1-based): chrX:47,626,496, C>T on the plus strand (G>A on the coding strand, the complement: CFP is on the minus strand). VCF-style: chrX-47626496-C-T. GRCh37 (hg19) VCF-style: chrX-47485895-C-T.
Other names: c.964G>A, p.Gly322Arg (NM_002621.2); short protein forms G322R.
Identifiers: ClinVar variation 2011449 (VCV002011449.4), dbSNP rs890206386, ClinGen allele CA412835820.